The following is an entry in ClinVar:

ClinVar aggregate classification (germline): Uncertain significance. Review status: criteria provided, multiple submitters, no conflicts (2 of 4 stars). 2 submissions from 2 submitters: Uncertain significance (2). Last evaluated 2025-11-05.

Conditions:
Intellectual developmental disorder, autosomal dominant 1. Also called: MBD5 Haploinsufficiency; Intellectual disability, autosomal dominant 1. Identifiers: Orphanet 228402, MedGen C1969562, MONDO:0007974, OMIM 156200.
Inborn genetic diseases. Identifiers: MedGen C0950123, MeSH D030342.

Allele frequency attached by ClinVar (database versions not stated): gnomAD exomes below 0.00001; TOPMed below 0.00001.
gnomAD v4.1: 3 of 1,614,026 alleles (0.00019%); highest among the groups gnomAD compares: Non-Finnish European, 0.00017%; no homozygotes.

Submissions (2):

Ambry Genetics
Classification: Uncertain significance for Inborn genetic diseases. Last evaluated: 2025-11-05. Review status: criteria provided, single submitter. Criteria: Ambry Variant Classification Scheme 2023. Collection method: clinical testing. Allele origin: germline.

Labcorp Genetics (formerly Invitae), Labcorp
Classification: Uncertain significance for Intellectual developmental disorder, autosomal dominant 1. Last evaluated: 2025-04-08. Review status: criteria provided, single submitter. Criteria: Invitae Variant Classification Sherloc (09022015). Collection method: clinical testing. Allele origin: germline.
Comment: This sequence change replaces proline, which is neutral and non-polar, with leucine, which is neutral and non-polar, at codon 408 of the MBD5 protein (p.Pro408Leu). This variant is not present in population databases (gnomAD no frequency). This variant has not been reported in the literature in individuals affected with MBD5-related conditions. ClinVar contains an entry for this variant (Variation ID: 2957149). Invitae Evidence Modeling of protein sequence and biophysical properties (such as structural, functional, and spatial information, amino acid conservation, physicochemical variation, residue mobility, and thermodynamic stability) has been performed for this missense variant. However, the output from this modeling did not meet the statistical confidence thresholds required to predict the impact of this variant on MBD5 protein function. In summary, the available evidence is currently insufficient to determine the role of this variant in disease. Therefore, it has been classified as a Variant of Uncertain Significance.

NM_001378120.1(MBD5):c.1223C>T (p.Pro408Leu)

Gene: MBD5 (methyl-CpG binding domain protein 5; plus strand). Cytogenetic location: 2q23.1.
Variant type: single nucleotide variant.
Coding change: c.1223C>T on transcript NM_001378120.1 (MANE Select); coding-DNA position 1223, C replaced by T.
Protein change: p.Pro408Leu; replaces proline 408 with leucine.
Molecular consequence: missense variant.
Genome position (GRCh38, 1-based): chr2:148,469,166, C>T. VCF-style: chr2-148469166-C-T. GRCh37 (hg19) VCF-style: chr2-149226735-C-T.
Other names: c.1223C>T (NM_018328.4); c.1223C>T, p.Pro408Leu (NM_018328.5); short protein forms P408L.
Identifiers: ClinVar variation 2957149 (VCV002957149.4), dbSNP rs1574460001, ClinGen allele CA348719235.